The following is an entry in ClinVar:

ClinVar aggregate classification (germline): Benign. Review status: criteria provided, single submitter (1 of 4 stars). 2 submissions from 2 submitters: Benign (1). 1 of the submissions does not count toward it. Last evaluated 2026-01-17.

Conditions:
CAST-related disorder. Also called: CAST-related condition.

Allele frequency attached by ClinVar (database versions not stated): gnomAD exomes 0.00030 and 0.00088; ExAC 0.00110; 1000 Genomes Project 0.00140; 1000 Genomes Project 30x 0.00156; gnomAD 0.00356; TOPMed 0.00368; ESP Exome Variant Server 0.00400.
gnomAD v4.1: 955 of 1,612,968 alleles (0.059%); highest among the groups gnomAD compares: African/African-American, 1.1%; 5 homozygotes.

Submissions (2):

Labcorp Genetics (formerly Invitae), Labcorp
Classification: Benign. Last evaluated: 2026-01-17. Review status: criteria provided, single submitter. Criteria: Invitae Variant Classification Sherloc (09022015). Collection method: clinical testing. Allele origin: germline.

PreventionGenetics, part of Exact Sciences
Classification: Benign for CAST-related condition. Last evaluated: 2020-08-07. Review status: no assertion criteria provided. Collection method: clinical testing. Allele origin: germline. Not counted in ClinVar's aggregate classification.
Comment: This variant is classified as benign based on ACMG/AMP sequence variant interpretation guidelines (Richards et al. 2015 PMID: 25741868, with internal and published modifications).

NM_001750.7(CAST):c.1242T>A (p.Asp414Glu)

Gene: CAST (calpastatin; plus strand). Cytogenetic location: 5q15.
Variant type: single nucleotide variant.
Coding change: c.1242T>A on transcript NM_001750.7 (MANE Select); coding-DNA position 1242, T replaced by A.
Protein change: p.Asp414Glu; replaces aspartic acid 414 with glutamic acid.
Molecular consequence: missense variant. On other transcripts: non-coding transcript variant (1).
Genome position (GRCh38, 1-based): chr5:96,746,383, T>A. VCF-style: chr5-96746383-T-A. GRCh37 (hg19) VCF-style: chr5-96082087-T-A.
Other names: c.1119T>A, p.Asp373Glu (NM_001042440.5, NM_001330627.2); c.1185T>A, p.Asp395Glu (NM_001042441.3); c.1176T>A, p.Asp392Glu (NM_001042442.3); c.993T>A, p.Asp331Glu (NM_001042443.3); c.870T>A, p.Asp290Glu (NM_001042444.3, NM_001284212.4); c.888T>A, p.Asp296Glu (NM_001042445.3); c.831T>A, p.Asp277Glu (NM_001042446.3, NM_001330630.2); c.954T>A, p.Asp318Glu (NM_001190442.2, NM_001330631.2); and 8 more; short protein forms D290E, D309E, D318E, D331E, D386E, D299E, D312E, D358E.
Identifiers: ClinVar variation 711433 (VCV000711433.8), dbSNP rs112593332, ClinGen allele CA3351249.